The following is an entry in ClinVar:

NM_001447.3(FAT2):c.2556T>C (p.Asn852=)

Gene: FAT2 (FAT atypical cadherin 2; minus strand). Cytogenetic location: 5q33.1.
Variant type: single nucleotide variant.
Coding change: c.2556T>C on transcript NM_001447.3 (MANE Select); coding-DNA position 2556, T replaced by C.
Protein change: p.Asn852=; no amino-acid change (asparagine 852 retained).
Molecular consequence: synonymous variant.
Genome position (GRCh38, 1-based): chr5:151,566,376, A>G on the plus strand (T>C on the coding strand, the complement: FAT2 is on the minus strand). VCF-style: chr5-151566376-A-G. GRCh37 (hg19) VCF-style: chr5-150945937-A-G.
Other names: c.2556T>C (NM_001447.2).
Identifiers: ClinVar variation 2158575 (VCV002158575.7), dbSNP rs145797056, ClinGen allele CA3522049.
Genomic context (GRCh38, chr5:151,566,376, plus strand): 5'-AGTGAGAGGGTGGAGGGAGAACTTCTCTGTGGGACTTAGCAGGGTGTAGCGAACCCTGCC[A>G]TTGTCTTCCGAGTCAGCATCTTTGGTTGTCAGCTCTGCAATTGTGGTTCCAACTTCTGTG-3'
Protein context (NP_001438.1, residues 842-862): LTTKDADSED[Asn852=]GRVRYTLLSP

ClinVar aggregate classification (germline): Likely benign. Review status: criteria provided, multiple submitters, no conflicts (2 of 4 stars). 3 submissions from 3 submitters: Likely benign (2). 1 of the submissions does not count toward it. Last evaluated 2025-08-24.

Conditions:
FAT2-related disorder. Also called: FAT2-related condition.

Allele frequency attached by ClinVar (database versions not stated): ExAC 0.00025; gnomAD 0.00046; ESP Exome Variant Server 0.00062; 1000 Genomes Project 30x 0.00078; 1000 Genomes Project 0.00080.
gnomAD v4.1: 220 of 1,613,968 alleles (0.014%); highest among the groups gnomAD compares: African/African-American, 0.14%; no homozygotes.

Submissions (3):

Labcorp Genetics (formerly Invitae), Labcorp
Classification: Likely benign. Last evaluated: 2025-08-24. Review status: criteria provided, single submitter. Criteria: Invitae Variant Classification Sherloc (09022015). Collection method: clinical testing. Allele origin: germline.

Blueprint Genetics
Classification: Likely benign. Last evaluated: 2024-01-08. Review status: criteria provided, single submitter. Criteria: ACMG Guidelines, 2015. Collection method: clinical testing. Allele origin: germline.

PreventionGenetics, part of Exact Sciences
Classification: Likely benign for FAT2-related condition. Last evaluated: 2019-03-19. Review status: no assertion criteria provided. Collection method: clinical testing. Allele origin: germline. Not counted in ClinVar's aggregate classification.
Comment: This variant is classified as likely benign based on ACMG/AMP sequence variant interpretation guidelines (Richards et al. 2015 PMID: 25741868, with internal and published modifications).